The following is an entry in ClinVar:

ClinVar aggregate classification (germline): Uncertain significance (1 of 4 stars; one submission).

Submission:

Labcorp Genetics (formerly Invitae), Labcorp
Classification: Uncertain significance. Last evaluated: 2019-11-20. Review status: criteria provided, single submitter. Criteria: Invitae Variant Classification Sherloc (09022015). Collection method: clinical testing. Allele origin: germline.
Comment: This variant has not been reported in the literature in individuals with TRPM1-related conditions. This sequence change replaces asparagine with lysine at codon 1069 of the TRPM1 protein (p.Asn1069Lys). The asparagine residue is highly conserved and there is a moderate physicochemical difference between asparagine and lysine. This variant is not present in population databases (ExAC no frequency). Algorithms developed to predict the effect of missense changes on protein structure and function (SIFT, PolyPhen-2, Align-GVGD) all suggest that this variant is likely to be disruptive, but these predictions have not been confirmed by published functional studies and their clinical significance is uncertain. In summary, the available evidence is currently insufficient to determine the role of this variant in disease. Therefore, it has been classified as a Variant of Uncertain Significance.

NM_001252024.2(TRPM1):c.3273C>A (p.Asn1091Lys)

Genes: TRPM1 (transient receptor potential cation channel subfamily M member 1; minus strand), TRPM1-AS1 (TRPM1 antisense RNA 1; plus strand). Cytogenetic location: 15q13.3.
Variant type: single nucleotide variant.
Coding change: c.3273C>A on transcript NM_001252024.2 (MANE Select); coding-DNA position 3273, C replaced by A.
Protein change: p.Asn1091Lys; replaces asparagine 1091 with lysine.
Molecular consequence: missense variant.
Genome position (GRCh38, 1-based): chr15:31,028,352, G>T on the plus strand (C>A on the coding strand, the complement: TRPM1 is on the minus strand). VCF-style: chr15-31028352-G-T. GRCh37 (hg19) VCF-style: chr15-31320555-G-T.
Other names: c.3324C>A, p.Asn1108Lys (NM_001252020.2); c.3207C>A, p.Asn1069Lys (NM_002420.6); short protein forms N1091K, N1069K, N1108K.
Identifiers: ClinVar variation 853013 (VCV000853013.9), dbSNP rs2032886425, ClinGen allele CA391543571.